The following is an entry in ClinVar:

ClinVar aggregate classification (germline): Likely pathogenic (1 of 4 stars; one submission).

Submission:

CeGaT Center for Human Genetics Tuebingen
Classification: Likely pathogenic. Last evaluated: 2023-08-01. Review status: criteria provided, single submitter. Criteria: CeGaT Center For Human Genetics Tuebingen Variant Classification Criteria Version 2. Collection method: clinical testing. Allele origin: germline. Affected: yes. Observed: 1 variant allele.
Comment: FLNC: PVS1:Strong, PM2

NM_001458.5(FLNC):c.7700_7703dup (p.Gly2569fs)

Genes: FLNC (filamin C; plus strand), FLNC-AS1 (FLNC antisense RNA 1; minus strand). Cytogenetic location: 7q32.1.
Variant type: Duplication.
Coding change: c.7700_7703dup on transcript NM_001458.5 (MANE Select); coding-DNA positions 7700 to 7703, 4 bases duplicated (CCCC; older notation c.7700_7703dupCCCC).
Protein change: p.Gly2569fs; shifts the reading frame from glycine 2569.
Molecular consequence: frameshift variant.
Genome position (GRCh38, 1-based): chr7:128,857,256-128,857,259, CCCC duplicated. VCF-style (leftmost placement, unchanged base first): chr7-128857255-G-GCCCC. GRCh37 (hg19) VCF-style: chr7-128497309-G-GCCCC.
Other names: c.7601_7604dup, p.Gly2536fs (NM_001127487.2); short protein forms G2536fs, G2569fs.
Identifiers: ClinVar variation 2579031 (VCV002579031.25), dbSNP rs2536671430, ClinGen allele CA2580617917.